The following is an entry in ClinVar:

NM_032043.3(BRIP1):c.2023G>A (p.Glu675Lys)

Gene: BRIP1 (BRCA1 interacting DNA helicase 1; minus strand). Cytogenetic location: 17q23.2.
Variant type: single nucleotide variant.
Coding change: c.2023G>A on transcript NM_032043.3 (MANE Select); coding-DNA position 2023, G replaced by A.
Protein change: p.Glu675Lys; replaces glutamic acid 675 with lysine.
Molecular consequence: missense variant.
Genome position (GRCh38, 1-based): chr17:61,776,475, C>T on the plus strand (G>A on the coding strand, the complement: BRIP1 is on the minus strand). VCF-style: chr17-61776475-C-T. GRCh37 (hg19) VCF-style: chr17-59853836-C-T.
Other names: short protein forms E675K.
Identifiers: ClinVar variation 820537 (VCV000820537.6), dbSNP rs1603328683, ClinGen allele CA400478297.

ClinVar aggregate classification (germline): Uncertain significance. Review status: criteria provided, multiple submitters, no conflicts (2 of 4 stars). 2 submissions from 2 submitters: Uncertain significance (2). Last evaluated 2025-05-12.

Conditions:
Familial cancer of breast. Also called: Hereditary breast cancer; hereditary breast carcinoma; BREAST CANCER, FAMILIAL. Identifiers: Orphanet 227535, MedGen C0346153, MONDO:0016419, OMIM 114480. Disease mechanism: loss of function.
Fanconi anemia complementation group J. Also called: BRIP1-Related Fanconi Anemia. Identifiers: Orphanet 84, MedGen C1836860, MONDO:0012187, OMIM 609054.
Hereditary cancer-predisposing syndrome. Also called: Hereditary Cancer Syndrome; Neoplastic Syndromes, Hereditary; Hereditary neoplastic syndrome; Tumor predisposition. Identifiers: Orphanet 140162, MedGen C0027672, MeSH D009386, MONDO:0015356.

gnomAD v4.1: 1 of 1,614,180 alleles (0.000062%); highest among the groups gnomAD compares: Admixed American, 0.0017%; no homozygotes.

Submissions (2):

Labcorp Genetics (formerly Invitae), Labcorp
Classification: Uncertain significance for Familial cancer of breast; Fanconi anemia complementation group J. Last evaluated: 2025-05-12. Review status: criteria provided, single submitter. Criteria: Invitae Variant Classification Sherloc (09022015). Collection method: clinical testing. Allele origin: germline.
Comment: This sequence change replaces glutamic acid, which is acidic and polar, with lysine, which is basic and polar, at codon 675 of the BRIP1 protein (p.Glu675Lys). This variant is not present in population databases (gnomAD no frequency). This variant has not been reported in the literature in individuals affected with BRIP1-related conditions. ClinVar contains an entry for this variant (Variation ID: 820537). Invitae Evidence Modeling of protein sequence and biophysical properties (such as structural, functional, and spatial information, amino acid conservation, physicochemical variation, residue mobility, and thermodynamic stability) has been performed for this missense variant. However, the output from this modeling did not meet the statistical confidence thresholds required to predict the impact of this variant on BRIP1 protein function. In summary, the available evidence is currently insufficient to determine the role of this variant in disease. Therefore, it has been classified as a Variant of Uncertain Significance.

Ambry Genetics
Classification: Uncertain significance for Hereditary cancer-predisposing syndrome. Last evaluated: 2019-06-24. Review status: criteria provided, single submitter. Criteria: Ambry Variant Classification Scheme 2023. Collection method: clinical testing. Allele origin: germline.
Comment: The p.E675K variant (also known as c.2023G>A), located in coding exon 13 of the BRIP1 gene, results from a G to A substitution at nucleotide position 2023. The glutamic acid at codon 675 is replaced by lysine, an amino acid with similar properties. This amino acid position is highly conserved in available vertebrate species. In addition, this alteration is predicted to be deleterious by in silico analysis. Since supporting evidence is limited at this time, the clinical significance of this alteration remains unclear.